The following is an entry in ClinVar:

NM_000321.3(RB1):c.1673T>C (p.Met558Thr)

Gene: RB1 (RB transcriptional corepressor 1; plus strand). Cytogenetic location: 13q14.2.
Variant type: single nucleotide variant.
Coding change: c.1673T>C on transcript NM_000321.3 (MANE Select); coding-DNA position 1673, T replaced by C.
Protein change: p.Met558Thr; replaces methionine 558 with threonine.
Molecular consequence: missense variant.
Genome position (GRCh38, 1-based): chr13:48,381,421, T>C. VCF-style: chr13-48381421-T-C. GRCh37 (hg19) VCF-style: chr13-48955557-T-C.
Other names: c.1673T>C, p.Met558Thr (NM_001407166.1, NM_001407165.1); short protein forms M558T.
Identifiers: ClinVar variation 1777750 (VCV001777750.2), dbSNP rs139494954, ClinGen allele CA388164019.

ClinVar aggregate classification (germline): Uncertain significance (1 of 4 stars; one submission).

Conditions:
Hereditary cancer-predisposing syndrome. Also called: Neoplastic Syndromes, Hereditary; Tumor predisposition; Hereditary Cancer Syndrome; Hereditary neoplastic syndrome. Identifiers: Orphanet 140162, MedGen C0027672, MeSH D009386, MONDO:0015356.

Submission:

Ambry Genetics
Classification: Uncertain significance for Hereditary cancer-predisposing syndrome. Last evaluated: 2022-03-03. Review status: criteria provided, single submitter. Criteria: Ambry Variant Classification Scheme 2023. Collection method: clinical testing. Allele origin: germline.
Comment: The p.M558T variant (also known as c.1673T>C), located in coding exon 17 of the RB1 gene, results from a T to C substitution at nucleotide position 1673. The methionine at codon 558 is replaced by threonine, an amino acid with similar properties. This amino acid position is conserved. In addition, this alteration is predicted to be deleterious by in silico analysis. Since supporting evidence is limited at this time, the clinical significance of this alteration remains unclear.